The following is an entry in ClinVar:

NM_138927.4(SON):c.3385G>C (p.Ala1129Pro)

Gene: SON (SON DNA and RNA binding protein; plus strand). Cytogenetic location: 21q22.11.
Variant type: single nucleotide variant.
Coding change: c.3385G>C on transcript NM_138927.4 (MANE Select); coding-DNA position 3385, G replaced by C.
Protein change: p.Ala1129Pro; replaces alanine 1129 with proline.
Molecular consequence: missense variant. On other transcripts: non-coding transcript variant (1), intron variant (1).
Genome position (GRCh38, 1-based): chr21:33,552,616, G>C. VCF-style: chr21-33552616-G-C. GRCh37 (hg19) VCF-style: chr21-34924922-G-C.
Other names: c.3385G>C, p.Ala1129Pro (NM_001291411.2, NM_001412133.1, NM_032195.3 and 2 more transcripts); c.245-4540G>C (NM_001291412.3); short protein forms A1129P.
Identifiers: ClinVar variation 2059056 (VCV002059056.4), dbSNP rs2517371510, ClinGen allele CA410160079.

ClinVar aggregate classification (germline): Uncertain significance (1 of 4 stars; one submission).

Submission:

Labcorp Genetics (formerly Invitae), Labcorp
Classification: Uncertain significance. Last evaluated: 2022-05-14. Review status: criteria provided, single submitter. Criteria: Invitae Variant Classification Sherloc (09022015). Collection method: clinical testing. Allele origin: germline.
Comment: In summary, the available evidence is currently insufficient to determine the role of this variant in disease. Therefore, it has been classified as a Variant of Uncertain Significance. Algorithms developed to predict the effect of missense changes on protein structure and function are either unavailable or do not agree on the potential impact of this missense change (SIFT: "Deleterious"; PolyPhen-2: "Probably Damaging"; Align-GVGD: "Class C0"). This variant has not been reported in the literature in individuals affected with SON-related conditions. This variant is not present in population databases (gnomAD no frequency). This sequence change replaces alanine, which is neutral and non-polar, with proline, which is neutral and non-polar, at codon 1129 of the SON protein (p.Ala1129Pro).